The following is an entry in ClinVar:

ClinVar aggregate classification (germline): Uncertain significance (1 of 4 stars; one submission).

Submission:

Labcorp Genetics (formerly Invitae), Labcorp
Classification: Uncertain significance. Last evaluated: 2022-08-19. Review status: criteria provided, single submitter. Criteria: Invitae Variant Classification Sherloc (09022015). Collection method: clinical testing. Allele origin: germline.
Comment: In summary, the available evidence is currently insufficient to determine the role of this variant in disease. Therefore, it has been classified as a Variant of Uncertain Significance. Algorithms developed to predict the effect of missense changes on protein structure and function output the following: SIFT: "Tolerated"; PolyPhen-2: "Benign"; Align-GVGD: "Class C0". The arginine amino acid residue is found in multiple mammalian species, which suggests that this missense change does not adversely affect protein function. This variant has not been reported in the literature in individuals affected with GTPBP3-related conditions. This variant is not present in population databases (gnomAD no frequency). This sequence change replaces histidine, which is basic and polar, with arginine, which is basic and polar, at codon 76 of the GTPBP3 protein (p.His76Arg).

NM_032620.4(GTPBP3):c.227A>G (p.His76Arg)

Gene: GTPBP3 (GTP binding protein 3, mitochondrial; plus strand). Cytogenetic location: 19p13.11.
Variant type: single nucleotide variant.
Coding change: c.227A>G on transcript NM_032620.4 (MANE Select); coding-DNA position 227, A replaced by G.
Protein change: p.His76Arg; replaces histidine 76 with arginine.
Molecular consequence: missense variant.
Genome position (GRCh38, 1-based): chr19:17,338,181, A>G. VCF-style: chr19-17338181-A-G. GRCh37 (hg19) VCF-style: chr19-17448990-A-G.
Other names: c.227A>G, p.His76Arg (NM_001128855.3, NM_133644.4); c.293A>G, p.His98Arg (NM_001195422.1); short protein forms H76R, H98R.
Identifiers: ClinVar variation 1716746 (VCV001716746.5), dbSNP rs2513202848, ClinGen allele CA404732037.